The following is an entry in ClinVar:

ClinVar aggregate classification (germline): Uncertain significance (1 of 4 stars; one submission).

gnomAD v4.1: 1 of 1,614,054 alleles (0.000062%); highest among the groups gnomAD compares: African/African-American, 0.0013%; no homozygotes.

Submission:

Ambry Genetics
Classification: Uncertain significance. Last evaluated: 2022-06-17. Review status: criteria provided, single submitter. Criteria: Ambry Variant Classification Scheme 2023. Collection method: clinical testing. Allele origin: germline.
Comment: The p.C467F variant (also known as c.1400G>T), located in coding exon 13 of the NPAT gene, results from a G to T substitution at nucleotide position 1400. The cysteine at codon 467 is replaced by phenylalanine, an amino acid with highly dissimilar properties. This amino acid position is conserved. In addition, the in silico prediction for this alteration is inconclusive. Since supporting evidence is limited at this time, the clinical significance of this alteration remains unclear.

NM_002519.3(NPAT):c.1400G>T (p.Cys467Phe)

Gene: NPAT (nuclear protein, coactivator of histone transcription; minus strand). Cytogenetic location: 11q22.3.
Variant type: single nucleotide variant.
Coding change: c.1400G>T on transcript NM_002519.3 (MANE Select); coding-DNA position 1400, G replaced by T.
Protein change: p.Cys467Phe; replaces cysteine 467 with phenylalanine.
Molecular consequence: missense variant.
Genome position (GRCh38, 1-based): chr11:108,173,584, C>A on the plus strand (G>T on the coding strand, the complement: NPAT is on the minus strand). VCF-style: chr11-108173584-C-A. GRCh37 (hg19) VCF-style: chr11-108044311-C-A.
Other names: c.1400G>T, p.Cys467Phe (NM_001321307.1); short protein forms C467F.
Identifiers: ClinVar variation 1771796 (VCV001771796.2), dbSNP rs746284331, ClinGen allele CA382515367.